The following is an entry in ClinVar:

NM_000135.4(FANCA):c.3696T>A (p.Phe1232Leu)

Gene: FANCA (FA complementation group A; minus strand). Cytogenetic location: 16q24.3.
Variant type: single nucleotide variant.
Coding change: c.3696T>A on transcript NM_000135.4 (MANE Select); coding-DNA position 3696, T replaced by A.
Protein change: p.Phe1232Leu; replaces phenylalanine 1232 with leucine.
Molecular consequence: missense variant.
Genome position (GRCh38, 1-based): chr16:89,742,869, A>T on the plus strand (T>A on the coding strand, the complement: FANCA is on the minus strand). VCF-style: chr16-89742869-A-T. GRCh37 (hg19) VCF-style: chr16-89809277-A-T.
Other names: c.3696T>A, p.Phe1232Leu (NM_001286167.3); short protein forms F1232L.
Identifiers: ClinVar variation 3848126 (VCV003848126.1).
Genomic context (GRCh38, chr16:89,742,869, plus strand): 5'-CTCGCAGTCCAGCTTCTTTAGCTGCTTCCTGATGTTTTCTTCCCTGACTTGTTGAATCGC[A>T]AAGTGCAGTGCAGCAGCTGAGAGCCAGTCCGGGTTGGGTGCTGGGGAGGCAGCCTCAGGG-3'
Protein context (NP_000126.2, residues 1222-1242): PDWLSAAALH[Phe1232Leu]AIQQVREENI

ClinVar aggregate classification (germline): Uncertain significance (1 of 4 stars; one submission).

Conditions:
Inborn genetic diseases. Identifiers: MedGen C0950123, MeSH D030342.

Submission:

Ambry Genetics
Classification: Uncertain significance for Inborn genetic diseases. Last evaluated: 2025-01-18. Review status: criteria provided, single submitter. Criteria: Ambry Variant Classification Scheme 2023. Collection method: clinical testing. Allele origin: germline.
Comment: The p.F1232L variant (also known as c.3696T>A), located in coding exon 37 of the FANCA gene, results from a T to A substitution at nucleotide position 3696. The phenylalanine at codon 1232 is replaced by leucine, an amino acid with highly similar properties. This amino acid position is conserved. In addition, this alteration is predicted to be tolerated by in silico analysis. Based on the available evidence, the clinical significance of this variant remains unclear.